The following is an entry in ClinVar:

NM_173660.5(DOK7):c.532+61T>C

Gene: DOK7 (docking protein 7; plus strand). Cytogenetic location: 4p16.3.
Variant type: single nucleotide variant.
Coding change: c.532+61T>C on transcript NM_173660.5 (MANE Select); 61 bases into the intron after coding-DNA position 532, T replaced by C.
Molecular consequence: intron variant.
Genome position (GRCh38, 1-based): chr4:3,476,603, T>C. VCF-style: chr4-3476603-T-C. GRCh37 (hg19) VCF-style: chr4-3478330-T-C.
Other names: c.532+61T>C (NM_001301071.2); c.101-8936T>C (NM_001363811.2); c.521+72T>C (NM_001164673.2).
Identifiers: ClinVar variation 679641 (VCV000679641.2), dbSNP rs141667136, ClinGen allele CA91532665.

ClinVar aggregate classification (germline): Likely benign. Review status: criteria provided, multiple submitters, no conflicts (2 of 4 stars). 2 submissions from 2 submitters: Likely benign (2). Last evaluated 2018-06-19.

Allele frequency attached by ClinVar (database versions not stated): gnomAD exomes 0.00057; gnomAD 0.00560 and 0.00593; TOPMed 0.00582; 1000 Genomes Project 0.00819; 1000 Genomes Project 30x 0.00859.
gnomAD v4.1: 1,708 of 1,605,138 alleles (0.11%); highest among the groups gnomAD compares: African/African-American, 1.9%; 19 homozygotes.

Submissions (2):

GeneDx
Classification: Likely benign. Last evaluated: 2018-06-19. Review status: criteria provided, single submitter. Criteria: GeneDx Variant Classification (06012015). Collection method: clinical testing. Allele origin: germline. Affected: yes.
Comment: This variant is considered likely benign or benign based on one or more of the following criteria: it is a conservative change, it occurs at a poorly conserved position in the protein, it is predicted to be benign by multiple in silico algorithms, and/or has population frequency not consistent with disease.

Breakthrough Genomics
Classification: Likely benign. Review status: criteria provided, single submitter. Criteria: ACMG Guidelines, 2015. Collection method: not provided. Allele origin: germline. Inheritance: Autosomal recessive inheritance. Affected: yes.